The following is an entry in ClinVar:

NM_014191.4(SCN8A):c.657A>G (p.Leu219=)

Gene: SCN8A (sodium voltage-gated channel alpha subunit 8; plus strand). Cytogenetic location: 12q13.13.
Variant type: single nucleotide variant.
Coding change: c.657A>G on transcript NM_014191.4 (MANE Plus Clinical); coding-DNA position 657, A replaced by G.
Protein change: p.Leu219=; no amino-acid change (leucine 219 retained).
Molecular consequence: synonymous variant. On other transcripts: intron variant (2).
Genome position (GRCh38, 1-based): chr12:51,688,800, A>G. VCF-style: chr12-51688800-A-G. GRCh37 (hg19) VCF-style: chr12-52082584-A-G.
Other names: p.L219L:CTA>CTG; c.657A>G, p.Leu219= (NM_001177984.3); c.615-205A>G (NM_001330260.2, NM_001369788.1).
Identifiers: ClinVar variation 207104 (VCV000207104.14), dbSNP rs773009820, ClinGen allele CA318246.

ClinVar aggregate classification (germline): Benign/Likely benign. Review status: criteria provided, multiple submitters, no conflicts (2 of 4 stars). 4 submissions from 4 submitters: Benign (1); Likely benign (3). Last evaluated 2026-01-26.

Conditions:
Early-infantile DEE. Also called: Ohtahara syndrome; Early infantile epileptic encephalopathy; Early infantile epileptic encephalopathy with suppression bursts. Identifiers: Orphanet 1934, MedGen C0393706, MONDO:0800491.
Inborn genetic diseases. Identifiers: MedGen C0950123, MeSH D030342.

Allele frequency attached by ClinVar (database versions not stated): gnomAD exomes 0.00004 and 0.00005; gnomAD 0.00005; TOPMed 0.00005; ExAC 0.00007.
gnomAD v4.1: 78 of 1,613,878 alleles (0.0048%); highest among the groups gnomAD compares: Non-Finnish European, 0.0064%; no homozygotes.

Submissions (4):

Women's Health and Genetics/Laboratory Corporation of America, LabCorp
Classification: Likely benign. Last evaluated: 2026-01-26. Review status: criteria provided, single submitter. Criteria: LabCorp Variant Classification Summary - May 2015. Collection method: clinical testing. Allele origin: germline.

Labcorp Genetics (formerly Invitae), Labcorp
Classification: Likely benign for Early-infantile DEE. Last evaluated: 2025-12-14. Review status: criteria provided, single submitter. Criteria: Invitae Variant Classification Sherloc (09022015). Collection method: clinical testing. Allele origin: germline.

Ambry Genetics
Classification: Likely benign for Inborn genetic diseases. Last evaluated: 2018-03-20. Review status: criteria provided, single submitter. Criteria: Ambry Variant Classification Scheme 2023. Collection method: clinical testing. Allele origin: germline.

GeneDx
Classification: Benign. Last evaluated: 2014-12-23. Review status: criteria provided, single submitter. Criteria: GeneDx Variant Classification (06012015). Collection method: clinical testing. Allele origin: germline. Affected: yes.
Comment: This variant is considered likely benign or benign based on one or more of the following criteria: it is a conservative change, it occurs at a poorly conserved position in the protein, it is predicted to be benign by multiple in silico algorithms, and/or has population frequency not consistent with disease.